The following is an entry in ClinVar:

NM_000383.4(AIRE):c.1090A>T (p.Thr364Ser)

Gene: AIRE (autoimmune regulator; plus strand). Cytogenetic location: 21q22.3.
Variant type: single nucleotide variant.
Coding change: c.1090A>T on transcript NM_000383.4 (MANE Select); coding-DNA position 1090, A replaced by T.
Protein change: p.Thr364Ser; replaces threonine 364 with serine.
Molecular consequence: missense variant.
Genome position (GRCh38, 1-based): chr21:44,292,396, A>T. VCF-style: chr21-44292396-A-T. GRCh37 (hg19) VCF-style: chr21-45712279-A-T.
Other names: short protein forms T364S.
Identifiers: ClinVar variation 4751104 (VCV004751104.1).
Genomic context (GRCh38, chr21:44,292,396, plus strand): 5'-ACAGTCCAGGAGGTGCAGCCCCGGGCAGAGGAGCCCCGGCCCCAGGAGCCACCCGTGGAG[A>T]CCCCGGTATGGCCACGCCCCCTCCTAGCCGGGCCACCCCTCCTGTCCACATGGCCACGCC-3'
Protein context (NP_000374.1, residues 354-374): EPRPQEPPVE[Thr364Ser]PLPPGLRSAG

ClinVar aggregate classification (germline): Uncertain significance (1 of 4 stars; one submission).

Conditions:
Polyglandular autoimmune syndrome, type 1 (APS1). Also called: PGA I; Autoimmune polyendocrinopathy syndrome , type I, with or without reversible metaphyseal dysplasia; Whitaker syndrome; Autoimmune polyendocrine syndrome type 1; AUTOIMMUNE POLYENDOCRINE SYNDROME, TYPE I, WITH OR WITHOUT REVERSIBLE METAPHYSEAL DYSPLASIA; APS I. Identifiers: Orphanet 3453, MedGen C0085859, MONDO:0009411, OMIM 240300.

gnomAD v4.1: 9 of 1,550,690 alleles (0.00058%); highest among the groups gnomAD compares: South Asian, 0.0071%; no homozygotes.

Submission:

Labcorp Genetics (formerly Invitae), Labcorp
Classification: Uncertain significance for Polyglandular autoimmune syndrome, type 1. Last evaluated: 2025-03-16. Review status: criteria provided, single submitter. Criteria: Invitae Variant Classification Sherloc (09022015). Collection method: clinical testing. Allele origin: germline.
Comment: This sequence change replaces threonine, which is neutral and polar, with serine, which is neutral and polar, at codon 364 of the AIRE protein (p.Thr364Ser). This variant is not present in population databases (gnomAD no frequency). This variant has not been reported in the literature in individuals affected with AIRE-related conditions. An algorithm developed to predict the effect of missense changes on protein structure and function outputs the following: PolyPhen-2: "Benign". The serine amino acid residue is found in multiple mammalian species, which suggests that this missense change does not adversely affect protein function. In summary, the available evidence is currently insufficient to determine the role of this variant in disease. Therefore, it has been classified as a Variant of Uncertain Significance.